The following is an entry in ClinVar:

NM_001206999.2(CIT):c.1049A>G (p.Lys350Arg)

Gene: CIT (citron rho-interacting serine/threonine kinase; minus strand). Cytogenetic location: 12q24.23.
Variant type: single nucleotide variant.
Coding change: c.1049A>G on transcript NM_001206999.2 (MANE Select); coding-DNA position 1049, A replaced by G.
Protein change: p.Lys350Arg; replaces lysine 350 with arginine.
Molecular consequence: missense variant.
Genome position (GRCh38, 1-based): chr12:119,822,882, T>C on the plus strand (A>G on the coding strand, the complement: CIT is on the minus strand). VCF-style: chr12-119822882-T-C. GRCh37 (hg19) VCF-style: chr12-120260686-T-C.
Other names: c.1049A>G, p.Lys350Arg (NM_007174.3); short protein forms K350R.
Identifiers: ClinVar variation 1032702 (VCV001032702.1), dbSNP rs1252357911, ClinGen allele CA386541622.

ClinVar aggregate classification (germline): Uncertain significance (1 of 4 stars; one submission).

Conditions:
Microcephaly 17, primary, autosomal recessive (MCPH17). Identifiers: Orphanet 2512, MedGen C4310723, MONDO:0014908, OMIM 617090.

Submission:

Baylor Genetics
Classification: Uncertain significance for Microcephaly 17, primary, autosomal recessive. Last evaluated: 2018-05-31. Review status: criteria provided, single submitter. Criteria: ACMG Guidelines, 2015. Collection method: clinical testing. Allele origin: maternal. Affected: yes.
Comment: This variant was determined to be of uncertain significance according to ACMG Guidelines, 2015 [PMID:25741868].